The following is an entry in ClinVar:

NM_133433.4(NIPBL):c.1290_1291delinsCC (p.Ala431Pro)

Gene: NIPBL (NIPBL cohesin loading factor; plus strand). Cytogenetic location: 5p13.2.
Variant type: Indel.
Coding change: c.1290_1291delinsCC on transcript NM_133433.4 (MANE Select); coding-DNA positions 1290 to 1291, AG replaced by CC.
Protein change: p.Ala431Pro; replaces alanine 431 with proline.
Molecular consequence: missense variant.
Genome position (GRCh38, 1-based): chr5:36,976,197-36,976,198, AG replaced by CC. VCF-style: chr5-36976197-AG-CC. GRCh37 (hg19) VCF-style: chr5-36976299-AG-CC.
Other names: c.1290_1291delinsCC, p.Ala431Pro (NM_015384.5); short protein forms A431P.
Identifiers: ClinVar variation 3662409 (VCV003662409.2).

ClinVar aggregate classification (germline): Uncertain significance (1 of 4 stars; one submission).

Conditions:
Cornelia de Lange syndrome 1 (CDLS1). Also called: Brachmann de Lange syndrome; NIPBL-Related Cornelia de Lange Syndrome; TYPUS DEGENERATIVUS AMSTELODAMENSIS. Identifiers: Orphanet 199, MedGen C4551851, MONDO:0007387, OMIM 122470.

Submission:

Labcorp Genetics (formerly Invitae), Labcorp
Classification: Uncertain significance for Cornelia de Lange syndrome 1. Last evaluated: 2024-08-31. Review status: criteria provided, single submitter. Criteria: Invitae Variant Classification Sherloc (09022015). Collection method: clinical testing. Allele origin: germline.
Comment: This sequence change replaces alanine, which is neutral and non-polar, with proline, which is neutral and non-polar, at codon 431 of the NIPBL protein (p.Ala431Pro). Information on the frequency of this variant in the gnomAD database is not available, as this variant may be reported differently in the database. This variant has not been reported in the literature in individuals affected with NIPBL-related conditions. Experimental studies and prediction algorithms are not available or were not evaluated, and the functional significance of this variant is currently unknown. In summary, the available evidence is currently insufficient to determine the role of this variant in disease. Therefore, it has been classified as a Variant of Uncertain Significance.